The following is an entry in ClinVar:

ClinVar aggregate classification (germline): Conflicting classifications of pathogenicity. Review status: criteria provided, conflicting classifications (1 of 4 stars). 3 submissions from 3 submitters: Uncertain significance (1); Likely benign (1). 1 of the submissions does not count toward it. Last evaluated 2026-01-26.

Conditions:
SP110-related disorder. Also called: SP110-related condition.
Hepatic veno-occlusive disease-immunodeficiency syndrome. Also called: Hepatic Veno-Occlusive Disease with Immunodeficiency. Identifiers: Orphanet 79124, MedGen C1856128, MONDO:0009338, OMIM 235550. Disease mechanism: loss of function.

Allele frequency attached by ClinVar (database versions not stated): TOPMed 0.00050; 1000 Genomes Project 0.00060; 1000 Genomes Project 30x 0.00062; ESP Exome Variant Server 0.00062; ExAC 0.00071; gnomAD 0.00072 and 0.00073; gnomAD exomes 0.00074 and 0.00078.
gnomAD v4.1: 1,238 of 1,600,012 alleles (0.077%); highest among the groups gnomAD compares: Non-Finnish European, 0.081%; 1 homozygote.

Submissions (6):

Labcorp Genetics (formerly Invitae), Labcorp
Classification: Likely benign for Hepatic veno-occlusive disease-immunodeficiency syndrome. Last evaluated: 2026-01-26. Review status: criteria provided, single submitter. Criteria: Invitae Variant Classification Sherloc (09022015). Collection method: clinical testing. Allele origin: germline.

Illumina Laboratory Services, Illumina
Classification: Uncertain significance for Hepatic veno-occlusive disease-immunodeficiency syndrome. Last evaluated: 2018-01-13. Review status: criteria provided, single submitter. Criteria: ICSL Variant Classification Criteria 13 December 2019. Collection method: clinical testing. Allele origin: germline.

PreventionGenetics, part of Exact Sciences
Classification: Likely benign for SP110-related condition. Last evaluated: 2019-03-22. Review status: no assertion criteria provided. Collection method: clinical testing. Allele origin: germline. Not counted in ClinVar's aggregate classification.
Comment: This variant is classified as likely benign based on ACMG/AMP sequence variant interpretation guidelines (Richards et al. 2015 PMID: 25741868, with internal and published modifications).

Dr. Peter K. Rogan Lab, Western University
No classification provided (evidence only). Condition: Familial cancer of breast. Review status: no classification provided. Collection method: in vitro. Allele origin: not applicable. Functional consequence: retained intron. Not counted in ClinVar's aggregate classification.

Dr. Peter K. Rogan Lab, Western University
No classification provided (evidence only). Condition: Familial cancer of breast. Review status: no classification provided. Collection method: in vitro. Allele origin: not applicable. Functional consequence: skipped exon. Not counted in ClinVar's aggregate classification.

Dr. Peter K. Rogan Lab, Western University
No classification provided (evidence only). Condition: Nonpapillary renal cell carcinoma. Review status: no classification provided. Collection method: in vitro. Allele origin: not applicable. Functional consequence: skipped exon. Not counted in ClinVar's aggregate classification.

NM_080424.4(SP110):c.1706+4A>T

Gene: SP110 (SP110 nuclear body protein; minus strand). Cytogenetic location: 2q37.1.
Variant type: single nucleotide variant.
Coding change: c.1706+4A>T on transcript NM_080424.4 (MANE Select); 4 bases into the intron after coding-DNA position 1706, A replaced by T.
Molecular consequence: intron variant.
Genome position (GRCh38, 1-based): chr2:230,172,840, T>A on the plus strand (A>T on the coding strand, the complement: SP110 is on the minus strand). VCF-style: chr2-230172840-T-A. GRCh37 (hg19) VCF-style: chr2-231037556-T-A.
Other names: c.1724+4A>T (NM_001378446.1, NM_001378445.1, NM_001378442.1 and 1 more transcripts); c.1706+4A>T (NM_004509.5, NM_001378443.1).
Identifiers: ClinVar variation 334899 (VCV000334899.19), dbSNP rs201034113, ClinGen allele CA2154383.